The following is an entry in ClinVar:

NM_031935.3(HMCN1):c.7367C>T (p.Thr2456Ile)

Gene: HMCN1 (hemicentin 1; plus strand). Cytogenetic location: 1q31.1.
Variant type: single nucleotide variant.
Coding change: c.7367C>T on transcript NM_031935.3 (MANE Select); coding-DNA position 7367, C replaced by T.
Protein change: p.Thr2456Ile; replaces threonine 2456 with isoleucine.
Molecular consequence: missense variant.
Genome position (GRCh38, 1-based): chr1:186,061,905, C>T. VCF-style: chr1-186061905-C-T. GRCh37 (hg19) VCF-style: chr1-186031037-C-T.
Other names: short protein forms T2456I.
Identifiers: ClinVar variation 3678556 (VCV003678556.2).

ClinVar aggregate classification (germline): Uncertain significance (1 of 4 stars; one submission).

gnomAD v4.1: 1 of 1,613,086 alleles (0.000062%); highest among the groups gnomAD compares: Non-Finnish European, 0.000085%; no homozygotes.

Submission:

Labcorp Genetics (formerly Invitae), Labcorp
Classification: Uncertain significance. Last evaluated: 2024-08-03. Review status: criteria provided, single submitter. Criteria: Invitae Variant Classification Sherloc (09022015). Collection method: clinical testing. Allele origin: germline.
Comment: This sequence change replaces threonine, which is neutral and polar, with isoleucine, which is neutral and non-polar, at codon 2456 of the HMCN1 protein (p.Thr2456Ile). This variant is not present in population databases (gnomAD no frequency). This variant has not been reported in the literature in individuals affected with HMCN1-related conditions. An algorithm developed to predict the effect of missense changes on protein structure and function outputs the following: PolyPhen-2: "Benign". The isoleucine amino acid residue is found in multiple mammalian species, which suggests that this missense change does not adversely affect protein function. In summary, the available evidence is currently insufficient to determine the role of this variant in disease. Therefore, it has been classified as a Variant of Uncertain Significance.